The following is an entry in ClinVar:

NM_014014.5(SNRNP200):c.*100C>T

Gene: SNRNP200 (small nuclear ribonucleoprotein U5 subunit 200; minus strand). Cytogenetic location: 2q11.2.
Variant type: single nucleotide variant.
Coding change: c.*100C>T on transcript NM_014014.5 (MANE Select); 100 bases downstream of the stop codon, C replaced by T.
Molecular consequence: 3 prime UTR variant.
Genome position (GRCh38, 1-based): chr2:96,274,912, G>A on the plus strand (C>T on the coding strand, the complement: SNRNP200 is on the minus strand). VCF-style: chr2-96274912-G-A. GRCh37 (hg19) VCF-style: chr2-96940650-G-A.
Identifiers: ClinVar variation 898978 (VCV000898978.4), dbSNP rs3214064, ClinGen allele CA52383740.

ClinVar aggregate classification (germline): Likely benign (1 of 4 stars; one submission).

Conditions:
Retinitis pigmentosa (RP). Identifiers: Orphanet 791, MedGen C0035334, MeSH D012174, MONDO:0019200, OMIM 268000. Inheritance: Autosomal dominant, autosomal recessive and X linked inheritance.

Allele frequency attached by ClinVar (database versions not stated): gnomAD 0.00010 and 0.00019; TOPMed 0.00049; 1000 Genomes Project 0.00160; 1000 Genomes Project 30x 0.00172.
gnomAD v4.1: 343 of 1,423,828 alleles (0.024%); highest among the groups gnomAD compares: East Asian, 0.72%; 2 homozygotes.

Submission:

Illumina Laboratory Services, Illumina
Classification: Likely benign for Retinitis pigmentosa. Last evaluated: 2018-01-13. Review status: criteria provided, single submitter. Criteria: ICSL Variant Classification Criteria 13 December 2019. Collection method: clinical testing. Allele origin: germline.
Comment: This variant was observed in the ICSL laboratory as part of a predisposition screen in an ostensibly healthy population. It had not been previously curated by ICSL or reported in the Human Gene Mutation Database (HGMD: prior to June 1st, 2018), and was therefore a candidate for classification through an automated scoring system. Utilizing variant allele frequency, disease prevalence and penetrance estimates, and inheritance mode, an automated score was calculated to assess if this variant is too frequent to cause the disease. Based on the score and internal cut-off values, a variant classified as likely benign is not then subjected to further curation. The score for this variant resulted in a classification of likely benign for this disease.